The following is an entry in ClinVar:

NM_000400.4(ERCC2):c.2240A>T (p.Glu747Val)

Gene: ERCC2 (ERCC excision repair 2, TFIIH core complex helicase subunit; minus strand). Cytogenetic location: 19q13.32.
Variant type: single nucleotide variant.
Coding change: c.2240A>T on transcript NM_000400.4 (MANE Select); coding-DNA position 2240, A replaced by T.
Protein change: p.Glu747Val; replaces glutamic acid 747 with valine.
Molecular consequence: missense variant.
Genome position (GRCh38, 1-based): chr19:45,351,672, T>A on the plus strand (A>T on the coding strand, the complement: ERCC2 is on the minus strand). VCF-style: chr19-45351672-T-A. GRCh37 (hg19) VCF-style: chr19-45854930-T-A.
Other names: short protein forms E747V.
Identifiers: ClinVar variation 2452365 (VCV002452365.2), dbSNP rs1971785417, ClinGen allele CA406360384.

ClinVar aggregate classification (germline): Uncertain significance (1 of 4 stars; one submission).

Conditions:
Inborn genetic diseases. Identifiers: MedGen C0950123, MeSH D030342.

Allele frequency attached by ClinVar (database versions not stated): TOPMed below 0.00001.

Submission:

Ambry Genetics
Classification: Uncertain significance for Inborn genetic diseases. Last evaluated: 2023-01-27. Review status: criteria provided, single submitter. Criteria: Ambry Variant Classification Scheme 2023. Collection method: clinical testing. Allele origin: germline.
Comment: The p.E747V variant (also known as c.2240A>T), located in coding exon 23 of the ERCC2 gene, results from an A to T substitution at nucleotide position 2240. The glutamic acid at codon 747 is replaced by valine, an amino acid with dissimilar properties. This amino acid position is conserved. In addition, the in silico prediction for this alteration is inconclusive. Since supporting evidence is limited at this time, the clinical significance of this alteration remains unclear.